The following is an entry in ClinVar:

ClinVar aggregate classification (germline): Conflicting classifications of pathogenicity. Review status: criteria provided, conflicting classifications (1 of 4 stars). 3 submissions from 3 submitters: Likely pathogenic (1); Uncertain significance (2). Last evaluated 2024-04-02.

Conditions:
Colorectal cancer. Also called: Colorectal cancer, somatic; Malignant Colorectal Neoplasm. Identifiers: MedGen C0346629, MONDO:0005575, OMIM 114500.
Menke-Hennekam syndrome 2 (MKHK2). Identifiers: MedGen C5193035, MONDO:0020769, OMIM 618333.
Rubinstein-Taybi syndrome due to EP300 haploinsufficiency. Also called: EP300-Related Rubinstein-Taybi Syndrome; RUBINSTEIN-TAYBI SYNDROME 2. Identifiers: Orphanet 353284, Orphanet 783, MedGen C3150941, MONDO:0013364, OMIM 613684.
EP300-related disorder. Also called: EP300-related condition; EP300-related disorders.

Submissions (3):

Blueprint Genetics
Classification: Likely pathogenic for EP300-related disorders. Last evaluated: 2024-04-02. Review status: criteria provided, single submitter. Criteria: ACMG Guidelines, 2015. Collection method: clinical testing. Allele origin: germline. Affected: yes. Observed: 1 variant allele.

Labcorp Genetics (formerly Invitae), Labcorp
Classification: Uncertain significance for Rubinstein-Taybi syndrome due to EP300 haploinsufficiency. Last evaluated: 2022-08-21. Review status: criteria provided, single submitter. Criteria: Invitae Variant Classification Sherloc (09022015). Collection method: clinical testing. Allele origin: germline.
Comment: In summary, the available evidence is currently insufficient to determine the role of this variant in disease. Therefore, it has been classified as a Variant of Uncertain Significance. Advanced modeling of protein sequence and biophysical properties (such as structural, functional, and spatial information, amino acid conservation, physicochemical variation, residue mobility, and thermodynamic stability) performed at Invitae indicates that this missense variant is expected to disrupt EP300 protein function. This variant has not been reported in the literature in individuals affected with EP300-related conditions. This variant is not present in population databases (gnomAD no frequency). This sequence change replaces serine, which is neutral and polar, with proline, which is neutral and non-polar, at codon 1396 of the EP300 protein (p.Ser1396Pro).

Juno Genomics, Hangzhou Juno Genomics, Inc
Classification: Uncertain significance for Colorectal cancer; Menke-Hennekam syndrome 2; Rubinstein-Taybi syndrome due to EP300 haploinsufficiency. Review status: criteria provided, single submitter. Criteria: ACMG Guidelines, 2015. Collection method: clinical testing. Allele origin: germline.
Comment: Absent from controls (or at extremely low frequency if recessive) in Genome Aggregation Database.;Multiple lines of computational evidence support a deleterious effect on the gene or gene product.

NM_001429.4(EP300):c.4186T>C (p.Ser1396Pro)

Gene: EP300 (EP300 lysine acetyltransferase; plus strand). Cytogenetic location: 22q13.2.
Variant type: single nucleotide variant.
Coding change: c.4186T>C on transcript NM_001429.4 (MANE Select); coding-DNA position 4186, T replaced by C.
Protein change: p.Ser1396Pro; replaces serine 1396 with proline.
Molecular consequence: missense variant.
Genome position (GRCh38, 1-based): chr22:41,169,516, T>C. VCF-style: chr22-41169516-T-C. GRCh37 (hg19) VCF-style: chr22-41565520-T-C.
Other names: c.4108T>C, p.Ser1370Pro (NM_001362843.2); short protein forms S1370P, S1396P.
Identifiers: ClinVar variation 2023641 (VCV002023641.7), dbSNP rs2517822537, ClinGen allele CA411701467.